The following is an entry in ClinVar:

ClinVar aggregate classification (germline): Likely benign (1 of 4 stars; one submission).

Conditions:
Tuberous sclerosis 2 (TSC2). Identifiers: Orphanet 805, MedGen C1860707, MONDO:0013199, OMIM 613254.

Submission:

Myriad Genetics, Inc.
Classification: Likely benign for Tuberous sclerosis 2. Last evaluated: 2025-06-04. Review status: criteria provided, single submitter. Criteria: Myriad Autosomal Dominant, Autosomal Recessive and X-Linked Classification Criteria (2023). Collection method: clinical testing. Allele origin: unknown.
Comment: This variant is considered likely benign. This variant is intronic and is not expected to impact mRNA splicing.

NM_000548.5(TSC2):c.4663-9dup

Gene: TSC2 (TSC complex subunit 2; plus strand). Cytogenetic location: 16p13.3.
Variant type: Duplication.
Coding change: c.4663-9dup on transcript NM_000548.5 (MANE Select); 9 bases into the intron before coding-DNA position 4663, one base duplicated (T; older notation c.4663-9dupT).
Molecular consequence: intron variant.
Genome position (GRCh38, 1-based): chr16:2,086,184, T duplicated. VCF-style (leftmost placement, unchanged base first): chr16-2086183-C-CT. GRCh37 (hg19) VCF-style: chr16-2136184-C-CT.
Other names: c.3865-9dup (NM_001406686.1, NM_001406685.1); c.4495-9dup (NM_001318832.2); c.4315-9dup (NM_001406679.1); c.3121-9dup (NM_001406693.1, NM_001406692.1, NM_001406694.1); c.4555-9dup (NM_001406667.1); c.4552-9dup (NM_001406668.1); c.4063-9dup (NM_001406680.1); c.3994-9dup (NM_001406683.1, NM_001406682.1); and 26 more.
Identifiers: ClinVar variation 4071249 (VCV004071249.1).